The following is an entry in ClinVar:

ClinVar aggregate classification (germline): Uncertain significance (1 of 4 stars; one submission).

gnomAD v4.1: 1 of 1,613,948 alleles (0.000062%); highest among the groups gnomAD compares: Non-Finnish European, 0.000085%; no homozygotes.

Submission:

Ambry Genetics
Classification: Uncertain significance. Last evaluated: 2026-04-12. Review status: criteria provided, single submitter. Criteria: Ambry Variant Classification Scheme 2023. Collection method: clinical testing. Allele origin: germline.
Comment: The p.R833S variant (also known as c.2499G>C), located in coding exon 24 of the NEBL gene, results from a G to C substitution at nucleotide position 2499. The arginine at codon 833 is replaced by serine, an amino acid with dissimilar properties. This amino acid position is conserved. In addition, the in silico prediction for this alteration is inconclusive. Based on the available evidence, the clinical significance of this variant remains unclear.

NM_006393.3(NEBL):c.2499G>C (p.Arg833Ser)

Gene: NEBL (nebulette; minus strand). Cytogenetic location: 10p12.31.
Variant type: single nucleotide variant.
Coding change: c.2499G>C on transcript NM_006393.3 (MANE Select); coding-DNA position 2499, G replaced by C.
Protein change: p.Arg833Ser; replaces arginine 833 with serine.
Molecular consequence: missense variant.
Genome position (GRCh38, 1-based): chr10:20,812,788, C>G on the plus strand (G>C on the coding strand, the complement: NEBL is on the minus strand). VCF-style: chr10-20812788-C-G. GRCh37 (hg19) VCF-style: chr10-21101717-C-G.
Other names: c.510G>C, p.Arg170Ser (NM_001173484.2, NM_001377322.1, NM_213569.2); c.462G>C, p.Arg154Ser (NM_001377323.1); c.453G>C, p.Arg151Ser (NM_001377324.1); c.444G>C, p.Arg148Ser (NM_001377325.1); c.402G>C, p.Arg134Ser (NM_001377326.1, NM_001377327.1, NM_001377328.1); short protein forms R148S, R151S, R134S, R833S, R154S, R170S.
Identifiers: ClinVar variation 3404032 (VCV003404032.2).